The following is an entry in ClinVar:

ClinVar aggregate classification (germline): Uncertain significance (1 of 4 stars; one submission).

Submission:

Labcorp Genetics (formerly Invitae), Labcorp
Classification: Uncertain significance. Last evaluated: 2021-10-14. Review status: criteria provided, single submitter. Criteria: Invitae Variant Classification Sherloc (09022015). Collection method: clinical testing. Allele origin: germline.
Comment: In summary, the available evidence is currently insufficient to determine the role of this variant in disease. Therefore, it has been classified as a Variant of Uncertain Significance. Algorithms developed to predict the effect of sequence changes on RNA splicing suggest that this variant may create or strengthen a splice site. This variant has not been reported in the literature in individuals affected with FGFR3-related conditions. The frequency data for this variant in the population databases is considered unreliable, as metrics indicate insufficient coverage at this position in the ExAC database. This sequence change affects the initiator methionine of the FGFR3 mRNA. The next in-frame methionine is located at codon 69.

NM_000142.5(FGFR3):c.3G>A (p.Met1Ile)

Gene: FGFR3 (fibroblast growth factor receptor 3; plus strand). Cytogenetic location: 4p16.3.
Variant type: single nucleotide variant.
Coding change: c.3G>A on transcript NM_000142.5 (MANE Select); coding-DNA position 3, G replaced by A.
Protein change: p.Met1Ile; changes the start codon (methionine 1).
Molecular consequence: missense variant, initiator codon variant. On other transcripts: non-coding transcript variant (1).
Genome position (GRCh38, 1-based): chr4:1,793,937, G>A. VCF-style: chr4-1793937-G-A. GRCh37 (hg19) VCF-style: chr4-1795664-G-A.
Other names: c.3G>A, p.Met1Ile (NM_001163213.2, NM_001354809.2, NM_001354810.2 and 1 more transcripts); short protein forms M1I.
Identifiers: ClinVar variation 1679975 (VCV001679975.6), dbSNP rs1560384106, ClinGen allele CA355985074.
Genomic context (GRCh38, chr4:1,793,937, plus strand): 5'-GTGGGGGGCAGCATGCCCGCGCGCGCTGCCTGAGGACGCCGCGGCCCCCGCCCCCGCCAT[G>A]GGCGCCCCTGCCTGCGCCCTCGCGCTCTGCGTGGCCGTGGCCATCGTGGCCGGCGCCTCC-3'
Protein context (NP_000133.1, residues 1-11): [Met1Ile]GAPACALALC